The following is an entry in ClinVar:

NM_005591.4(MRE11):c.470T>C (p.Met157Thr)

Gene: MRE11 (MRE11 double strand break repair nuclease; minus strand). Cytogenetic location: 11q21.
Variant type: single nucleotide variant.
Coding change: c.470T>C on transcript NM_005591.4 (MANE Select); coding-DNA position 470, T replaced by C.
Protein change: p.Met157Thr; replaces methionine 157 with threonine.
Molecular consequence: missense variant.
Genome position (GRCh38, 1-based): chr11:94,478,809, A>G on the plus strand (T>C on the coding strand, the complement: MRE11 is on the minus strand). VCF-style: chr11-94478809-A-G. GRCh37 (hg19) VCF-style: chr11-94211975-A-G.
Other names: c.470T>C, p.Met157Thr (NM_001330347.2, NM_005590.4); short protein forms M157T.
Identifiers: ClinVar variation 825115 (VCV000825115.5), dbSNP rs1591707134, ClinGen allele CA382377536.

ClinVar aggregate classification (germline): Uncertain significance. Review status: criteria provided, multiple submitters, no conflicts (2 of 4 stars). 2 submissions from 2 submitters: Uncertain significance (2). Last evaluated 2023-08-14.

Conditions:
Ataxia-telangiectasia-like disorder 1 (ATLD1). Identifiers: Orphanet 251347, MedGen C4012790, MONDO:0024557, OMIM 604391.
Hereditary cancer-predisposing syndrome. Also called: Neoplastic Syndromes, Hereditary; Tumor predisposition; Hereditary neoplastic syndrome; Hereditary Cancer Syndrome. Identifiers: Orphanet 140162, MedGen C0027672, MeSH D009386, MONDO:0015356.

Submissions (2):

Baylor Genetics
Classification: Uncertain significance for Ataxia-telangiectasia-like disorder 1. Last evaluated: 2023-08-14. Review status: criteria provided, single submitter. Criteria: ACMG Guidelines, 2015. Collection method: clinical testing. Allele origin: unknown.

Ambry Genetics
Classification: Uncertain significance for Hereditary cancer-predisposing syndrome. Last evaluated: 2019-10-09. Review status: criteria provided, single submitter. Criteria: Ambry Variant Classification Scheme 2023. Collection method: clinical testing. Allele origin: germline.
Comment: The p.M157T variant (also known as c.470T>C), located in coding exon 5 of the MRE11A gene, results from a T to C substitution at nucleotide position 470. The methionine at codon 157 is replaced by threonine, an amino acid with similar properties. This amino acid position is poorly conserved in available vertebrate species. In addition, this alteration is predicted to be tolerated by in silico analysis. Since supporting evidence is limited at this time, the clinical significance of this alteration remains unclear.